The following is an entry in ClinVar:

ClinVar aggregate classification (germline): Uncertain significance. Review status: criteria provided, multiple submitters, no conflicts (2 of 4 stars). 2 submissions from 2 submitters: Uncertain significance (2). Last evaluated 2023-05-17.

Allele frequency attached by ClinVar (database versions not stated): ExAC 0.00001; gnomAD exomes 0.00001.

Submissions (2):

Ambry Genetics
Classification: Uncertain significance. Last evaluated: 2023-05-17. Review status: criteria provided, single submitter. Criteria: Ambry Variant Classification Scheme 2023. Collection method: clinical testing. Allele origin: germline.

Labcorp Genetics (formerly Invitae), Labcorp
Classification: Uncertain significance. Last evaluated: 2021-11-23. Review status: criteria provided, single submitter. Criteria: Invitae Variant Classification Sherloc (09022015). Collection method: clinical testing. Allele origin: germline.
Comment: In summary, the available evidence is currently insufficient to determine the role of this variant in disease. Therefore, it has been classified as a Variant of Uncertain Significance. Algorithms developed to predict the effect of missense changes on protein structure and function are either unavailable or do not agree on the potential impact of this missense change (SIFT: "Deleterious"; PolyPhen-2: "Probably Damaging"; Align-GVGD: "Class C0"). This variant has not been reported in the literature in individuals affected with TNS2-related conditions. This variant is present in population databases (rs763199154, gnomAD 0.003%). This sequence change replaces valine, which is neutral and non-polar, with isoleucine, which is neutral and non-polar, at codon 238 of the TNS2 protein (p.Val238Ile).

NM_170754.4(TNS2):c.682G>A (p.Val228Ile)

Gene: TNS2 (tensin 2; plus strand). Cytogenetic location: 12q13.13.
Variant type: single nucleotide variant.
Coding change: c.682G>A on transcript NM_170754.4 (MANE Select); coding-DNA position 682, G replaced by A.
Protein change: p.Val228Ile; replaces valine 228 with isoleucine.
Molecular consequence: missense variant.
Genome position (GRCh38, 1-based): chr12:53,055,676, G>A. VCF-style: chr12-53055676-G-A. GRCh37 (hg19) VCF-style: chr12-53449460-G-A.
Other names: c.682G>A, p.Val228Ile (NM_001416202.1, NM_001416204.1); c.613G>A, p.Val205Ile (NM_001416203.1, NM_015319.3); c.310G>A, p.Val104Ile (NM_198316.2); short protein forms V104I, V228I, V238I, V205I.
Identifiers: ClinVar variation 1492852 (VCV001492852.8), dbSNP rs763199154, ClinGen allele CA6592015.